The following is an entry in ClinVar:

ClinVar aggregate classification (germline): Uncertain significance (1 of 4 stars; one submission).

Allele frequency attached by ClinVar (database versions not stated): gnomAD 0.00002; TOPMed 0.00005; ExAC 0.00004; gnomAD exomes 0.00005.
gnomAD v4.1: 88 of 1,613,350 alleles (0.0055%); highest among the groups gnomAD compares: Non-Finnish European, 0.006%; 1 homozygote.

Submission:

Labcorp Genetics (formerly Invitae), Labcorp
Classification: Uncertain significance. Last evaluated: 2025-12-25. Review status: criteria provided, single submitter. Criteria: Invitae Variant Classification Sherloc (09022015). Collection method: clinical testing. Allele origin: germline.
Comment: This sequence change falls in intron 35 of the DIP2C gene. It does not directly change the encoded amino acid sequence of the DIP2C protein. It affects a nucleotide within the consensus splice site. This variant is present in population databases (rs759895121, gnomAD 0.01%). This variant has not been reported in the literature in individuals affected with DIP2C-related conditions. ClinVar contains an entry for this variant (Variation ID: 2890239). Variants that disrupt the consensus splice site are a relatively common cause of aberrant splicing (PMID: 17576681, 9536098). Algorithms developed to predict the effect of sequence changes on RNA splicing suggest that this variant is not likely to affect RNA splicing. In summary, the available evidence is currently insufficient to determine the role of this variant in disease. Therefore, it has been classified as a Variant of Uncertain Significance.

Literature cited by the submitters: PubMed 17576681; PubMed 9536098.

NM_014974.3(DIP2C):c.4294+3G>A

Gene: DIP2C (DIP2 acetate--CoA ligase C (putative); minus strand). Cytogenetic location: 10p15.3.
Variant type: single nucleotide variant.
Coding change: c.4294+3G>A on transcript NM_014974.3 (MANE Select); 3 bases into the intron after coding-DNA position 4294, G replaced by A.
Molecular consequence: intron variant.
Genome position (GRCh38, 1-based): chr10:283,269, C>T on the plus strand (G>A on the coding strand, the complement: DIP2C is on the minus strand). VCF-style: chr10-283269-C-T. GRCh37 (hg19) VCF-style: chr10-329209-C-T.
Identifiers: ClinVar variation 2890239 (VCV002890239.3), dbSNP rs759895121, ClinGen allele CA5379495.